The following is an entry in ClinVar:

NM_001080477.4(TENM3):c.4618G>A (p.Asp1540Asn)

Gene: TENM3 (teneurin transmembrane protein 3; plus strand). Cytogenetic location: 4q35.1.
Variant type: single nucleotide variant.
Coding change: c.4618G>A on transcript NM_001080477.4 (MANE Select); coding-DNA position 4618, G replaced by A.
Protein change: p.Asp1540Asn; replaces aspartic acid 1540 with asparagine.
Molecular consequence: missense variant.
Genome position (GRCh38, 1-based): chr4:182,754,985, G>A. VCF-style: chr4-182754985-G-A. GRCh37 (hg19) VCF-style: chr4-183676138-G-A.
Other names: c.4618G>A, p.Asp1540Asn (NM_001415973.1, NM_001415971.1); c.4615G>A, p.Asp1539Asn (NM_001415974.1, NM_001415975.1); c.4339G>A, p.Asp1447Asn (NM_001415976.1, NM_001415977.1); c.3850G>A, p.Asp1284Asn (NM_001415960.1); c.3823G>A, p.Asp1275Asn (NM_001415961.1); c.3820G>A, p.Asp1274Asn (NM_001415962.1); c.3802G>A, p.Asp1268Asn (NM_001415963.1); c.3799G>A, p.Asp1267Asn (NM_001415964.1); and 4 more; short protein forms D1268N, D1274N, D1275N, D1454N, D1539N, D1540N, D1284N, D1446N.
Identifiers: ClinVar variation 2551769 (VCV002551769.5), dbSNP rs778883513, ClinGen allele CA3148455.

ClinVar aggregate classification (germline): Uncertain significance. Review status: criteria provided, multiple submitters, no conflicts (2 of 4 stars). 2 submissions from 2 submitters: Uncertain significance (2). Last evaluated 2025-06-23.

Conditions:
Inborn genetic diseases. Identifiers: MedGen C0950123, MeSH D030342.

Allele frequency attached by ClinVar (database versions not stated): gnomAD exomes 0.00001; TOPMed 0.00002; ExAC 0.00003; gnomAD 0.00003.
gnomAD v4.1: 23 of 1,613,868 alleles (0.0014%); highest among the groups gnomAD compares: Non-Finnish European, 0.0019%; no homozygotes.

Submissions (2):

Ambry Genetics
Classification: Uncertain significance for Inborn genetic diseases. Last evaluated: 2025-06-23. Review status: criteria provided, single submitter. Criteria: Ambry Variant Classification Scheme 2023. Collection method: clinical testing. Allele origin: germline.

Labcorp Genetics (formerly Invitae), Labcorp
Classification: Uncertain significance. Last evaluated: 2024-08-31. Review status: criteria provided, single submitter. Criteria: Invitae Variant Classification Sherloc (09022015). Collection method: clinical testing. Allele origin: germline.
Comment: This sequence change replaces aspartic acid, which is acidic and polar, with asparagine, which is neutral and polar, at codon 1540 of the TENM3 protein (p.Asp1540Asn). This variant is present in population databases (rs778883513, gnomAD 0.004%). This variant has not been reported in the literature in individuals affected with TENM3-related conditions. ClinVar contains an entry for this variant (Variation ID: 2551769). Invitae Evidence Modeling of protein sequence and biophysical properties (such as structural, functional, and spatial information, amino acid conservation, physicochemical variation, residue mobility, and thermodynamic stability) indicates that this missense variant is expected to disrupt TENM3 protein function with a positive predictive value of 80%. In summary, the available evidence is currently insufficient to determine the role of this variant in disease. Therefore, it has been classified as a Variant of Uncertain Significance.